The following is an entry in ClinVar:

NM_006767.4(LZTR1):c.1818C>T (p.Ser606=)

Gene: LZTR1 (leucine zipper like post translational regulator 1; plus strand). Cytogenetic location: 22q11.21.
Variant type: single nucleotide variant.
Coding change: c.1818C>T on transcript NM_006767.4 (MANE Select); coding-DNA position 1818, C replaced by T.
Protein change: p.Ser606=; no amino-acid change (serine 606 retained).
Molecular consequence: synonymous variant.
Genome position (GRCh38, 1-based): chr22:20,994,902, C>T. VCF-style: chr22-20994902-C-T. GRCh37 (hg19) VCF-style: chr22-21349191-C-T.
Identifiers: ClinVar variation 1706759 (VCV001706759.9), dbSNP rs370528040, ClinGen allele CA10119079.

ClinVar aggregate classification (germline): Likely benign. Review status: criteria provided, multiple submitters, no conflicts (2 of 4 stars). 3 submissions from 3 submitters: Likely benign (3). Last evaluated 2025-12-16.

Conditions:
Hereditary cancer-predisposing syndrome. Also called: Tumor predisposition; Neoplastic Syndromes, Hereditary; Hereditary Cancer Syndrome; Hereditary neoplastic syndrome. Identifiers: Orphanet 140162, MedGen C0027672, MeSH D009386, MONDO:0015356.
Cardiovascular phenotype. Identifiers: MedGen CN230736.

Allele frequency attached by ClinVar (database versions not stated): gnomAD exomes below 0.00001; ExAC 0.00002; TOPMed 0.00003; gnomAD 0.00004; ESP Exome Variant Server 0.00008.
gnomAD v4.1: 8 of 1,613,432 alleles (0.0005%); highest among the groups gnomAD compares: African/African-American, 0.011%; no homozygotes.

Submissions (3):

Labcorp Genetics (formerly Invitae), Labcorp
Classification: Likely benign. Last evaluated: 2025-12-16. Review status: criteria provided, single submitter. Criteria: Invitae Variant Classification Sherloc (09022015). Collection method: clinical testing. Allele origin: germline.

Ambry Genetics
Classification: Likely benign for Cardiovascular phenotype; Hereditary cancer-predisposing syndrome. Last evaluated: 2022-10-04. Review status: criteria provided, single submitter. Criteria: Ambry Variant Classification Scheme 2023. Collection method: clinical testing. Allele origin: germline.

GeneDx
Classification: Likely benign. Last evaluated: 2020-11-27. Review status: criteria provided, single submitter. Criteria: GeneDx Variant Classification Process June 2021. Collection method: clinical testing. Allele origin: germline. Affected: yes.
Comment: See Variant Classification Assertion Criteria.